The following is an entry in ClinVar:

ClinVar aggregate classification (germline): Uncertain significance. Review status: criteria provided, multiple submitters, no conflicts (2 of 4 stars). 2 submissions from 2 submitters: Uncertain significance (2). Last evaluated 2024-08-20.

Conditions:
Hereditary spastic paraplegia 31. Also called: SPASTIC PARAPLEGIA 31, AUTOSOMAL DOMINANT. Identifiers: Orphanet 101011, MedGen C1853247, MONDO:0012453, OMIM 610250.

Submissions (2):

Concord Molecular Medicine Laboratory, Concord Repatriation General Hospital
Classification: Uncertain significance for Hereditary spastic paraplegia 31. Last evaluated: 2024-08-20. Review status: criteria provided, single submitter. Criteria: ACMG Guidelines, 2015. Collection method: clinical testing. Allele origin: germline. Inheritance: Autosomal dominant inheritance. Affected: yes. Observed: 1 heterozygote.
Comment: Normal brain and spine MRI. This variant is absent from control population (gnomAD v4.1.0). It has been reported as a variant of uncertain significance previously on ClinVar. In silico analysis suggested this variant to be pathogenic (REVEL 0.87).

Labcorp Genetics (formerly Invitae), Labcorp
Classification: Uncertain significance for Hereditary spastic paraplegia 31. Last evaluated: 2023-05-30. Review status: criteria provided, single submitter. Criteria: Invitae Variant Classification Sherloc (09022015). Collection method: clinical testing. Allele origin: germline.
Comment: In summary, the available evidence is currently insufficient to determine the role of this variant in disease. Therefore, it has been classified as a Variant of Uncertain Significance. An algorithm developed to predict the effect of missense changes on protein structure and function (PolyPhen-2) suggests that this variant is likely to be disruptive. This variant has not been reported in the literature in individuals affected with REEP1-related conditions. This variant is not present in population databases (gnomAD no frequency). This sequence change replaces alanine, which is neutral and non-polar, with threonine, which is neutral and polar, at codon 71 of the REEP1 protein (p.Ala71Thr).

NM_001371279.1(REEP1):c.211G>A (p.Ala71Thr)

Gene: REEP1 (receptor accessory protein 1; minus strand). Cytogenetic location: 2p11.2.
Variant type: single nucleotide variant.
Coding change: c.211G>A on transcript NM_001371279.1 (MANE Select); coding-DNA position 211, G replaced by A.
Protein change: p.Ala71Thr; replaces alanine 71 with threonine.
Molecular consequence: missense variant. On other transcripts: intron variant (1).
Genome position (GRCh38, 1-based): chr2:86,254,786, C>T on the plus strand (G>A on the coding strand, the complement: REEP1 is on the minus strand). VCF-style: chr2-86254786-C-T. GRCh37 (hg19) VCF-style: chr2-86481909-C-T.
Other names: c.232G>A, p.Ala78Thr (NM_001164730.2); c.130G>A, p.Ala44Thr (NM_001164731.2); c.211G>A, p.Ala71Thr (NM_001371280.1, NM_001410855.1, NM_001410856.1 and 1 more transcripts); c.182+9179G>A (NM_001164732.2); short protein forms A71T, A44T, A78T.
Identifiers: ClinVar variation 2811077 (VCV002811077.5), dbSNP rs2468842391, ClinGen allele CA347717536.